The following is an entry in ClinVar:

NM_213653.4(HJV):c.-89-1G>C

Gene: HJV (hemojuvelin BMP co-receptor; minus strand). Cytogenetic location: 1q21.1.
Variant type: single nucleotide variant.
Coding change: c.-89-1G>C on transcript NM_213653.4 (MANE Select); the canonical splice acceptor site of the intron before 89 bases upstream of the start codon, G replaced by C.
Molecular consequence: splice acceptor variant. On other transcripts: 5 prime UTR variant (1), intron variant (3).
Genome position (GRCh38, 1-based): chr1:146,020,321, C>G on the plus strand (G>C on the coding strand, the complement: HJV is on the minus strand). VCF-style: chr1-146020321-C-G. GRCh37 (hg19) VCF-style: chr1-145414692-G-C.
Other names: c.-90G>C (NM_001379352.1); c.-22+1266G>C (NM_213652.4); c.-58-587G>C (NM_202004.4); c.-242-587G>C (NM_145277.5); c.-244-1G>C (NM_001316767.2).
Identifiers: ClinVar variation 3030232 (VCV003030232.2), dbSNP rs1350279214, ClinGen allele CA525930553.

ClinVar aggregate classification (germline): Uncertain significance (0 of 4 stars; one submission).

Conditions:
HJV-related disorder. Also called: HJV-related condition.

Allele frequency attached by ClinVar (database versions not stated): gnomAD exomes below 0.00001.
gnomAD v4.1: 3 of 843,098 alleles (0.00036%); highest among the groups gnomAD compares: Non-Finnish European, 0.00062%; no homozygotes.

Submission:

PreventionGenetics, part of Exact Sciences
Classification: Uncertain significance for HJV-related condition. Last evaluated: 2024-02-29. Review status: no assertion criteria provided. Collection method: clinical testing. Allele origin: germline.
Comment: The HJV c.-89-1G>C variant is located in the 5' untranslated region. To our knowledge, this variant has not been reported in the literature. This variant is reported in 0.0065% of alleles in individuals of European (Non-Finnish) descent in gnomAD. Although we suspect that this variant may be pathogenic, at this time, the clinical significance of this variant is uncertain due to the absence of conclusive functional and genetic evidence.